The following is an entry in ClinVar:

NM_001161352.2(KCNMA1):c.436G>A (p.Asp146Asn)

Gene: KCNMA1 (potassium calcium-activated channel subfamily M alpha 1; minus strand). Cytogenetic location: 10q22.3.
Variant type: single nucleotide variant.
Coding change: c.436G>A on transcript NM_001161352.2 (MANE Select); coding-DNA position 436, G replaced by A.
Protein change: p.Asp146Asn; replaces aspartic acid 146 with asparagine.
Molecular consequence: missense variant. On other transcripts: intron variant (1).
Genome position (GRCh38, 1-based): chr10:77,403,966, C>T on the plus strand (G>A on the coding strand, the complement: KCNMA1 is on the minus strand). VCF-style: chr10-77403966-C-T. GRCh37 (hg19) VCF-style: chr10-79163724-C-T.
Other names: c.436G>A, p.Asp146Asn (NM_001014797.3, NM_001161353.2, NM_001271519.2 and 8 more transcripts); c.379-152710G>A (NM_001271518.2); short protein forms D146N.
Identifiers: ClinVar variation 2842194 (VCV002842194.3), dbSNP rs200961174, ClinGen allele CA377411147.
Genomic context (GRCh38, chr10:77,403,966, plus strand): 5'-CCCAGTCCTTCACGGAGGTCATCCAGCCGACCTCGGCGGCCACTGCCTCCTCTTTTTCAT[C>T]CACTGGTTTGAGAGTGCCATCCGCCTGGCTTGAGCCATTGTTAATCTTCTGGGCCTCCTG-3'
Protein context (NP_001154824.1, residues 136-156): SQADGTLKPV[Asp146Asn]EKEEAVAAEV

ClinVar aggregate classification (germline): Uncertain significance (1 of 4 stars; one submission).

Conditions:
Generalized epilepsy-paroxysmal dyskinesia syndrome (PNKD3). Also called: Generalized epilepsy and paroxysmal dyskinesia; Paroxysmal nonkinesigenic dyskinesia, 3, with or without generalized epilepsy. Identifiers: Orphanet 79137, MedGen C5574945, MONDO:0012276, OMIM 609446.

Submission:

Labcorp Genetics (formerly Invitae), Labcorp
Classification: Uncertain significance for Generalized epilepsy-paroxysmal dyskinesia syndrome. Last evaluated: 2023-03-02. Review status: criteria provided, single submitter. Criteria: Invitae Variant Classification Sherloc (09022015). Collection method: clinical testing. Allele origin: germline.
Comment: In summary, the available evidence is currently insufficient to determine the role of this variant in disease. Therefore, it has been classified as a Variant of Uncertain Significance. An algorithm developed to predict the effect of missense changes on protein structure and function (PolyPhen-2) suggests that this variant is likely to be tolerated. This variant has not been reported in the literature in individuals affected with KCNMA1-related conditions. This variant is not present in population databases (gnomAD no frequency). This sequence change replaces aspartic acid, which is acidic and polar, with asparagine, which is neutral and polar, at codon 146 of the KCNMA1 protein (p.Asp146Asn).